The following is an entry in ClinVar:

ClinVar aggregate classification (germline): Uncertain significance (1 of 4 stars; one submission).

Allele frequency attached by ClinVar (database versions not stated): TOPMed below 0.00001; gnomAD 0.00001.
gnomAD v4.1: 1 of 1,612,238 alleles (0.000062%); highest among the groups gnomAD compares: Admixed American, 0.0017%; no homozygotes.

Submission:

GeneDx
Classification: Uncertain significance. Last evaluated: 2022-11-29. Review status: criteria provided, single submitter. Criteria: GeneDx Variant Classification Process June 2021. Collection method: clinical testing. Allele origin: germline. Affected: yes.
Comment: Not observed at significant frequency in large population cohorts (gnomAD); In silico analysis supports that this missense variant does not alter protein structure/function; Has not been previously published as pathogenic or benign to our knowledge

NM_006662.3(SRCAP):c.8615A>G (p.Asp2872Gly)

Gene: SRCAP (Snf2 related CREBBP activator protein; plus strand). Cytogenetic location: 16p11.2.
Variant type: single nucleotide variant.
Coding change: c.8615A>G on transcript NM_006662.3 (MANE Select); coding-DNA position 8615, A replaced by G.
Protein change: p.Asp2872Gly; replaces aspartic acid 2872 with glycine.
Molecular consequence: missense variant.
Genome position (GRCh38, 1-based): chr16:30,738,655, A>G. VCF-style: chr16-30738655-A-G. GRCh37 (hg19) VCF-style: chr16-30749976-A-G.
Other names: short protein forms D2872G.
Identifiers: ClinVar variation 2504506 (VCV002504506.1), dbSNP rs1328914551, ClinGen allele CA395638447.
Genomic context (GRCh38, chr16:30,738,655, plus strand): 5'-CCCCACCTGCTGTGAAACGTCGGAGGGGGAGGCCCCCCAAGAAGAACAGGTCTCCAGCAG[A>G]TGCTGGGAGAGGTGTGGATGAGGCACCCTCATCCACCTTGAAGGGAAAAACCAATGGGGC-3'
Protein context (NP_006653.2, residues 2862-2882): RPPKKNRSPA[Asp2872Gly]AGRGVDEAPS